The following is an entry in ClinVar:

NM_000103.4(CYP19A1):c.911T>G (p.Leu304Arg)

Genes: CYP19A1 (cytochrome P450 family 19 subfamily A member 1; minus strand), MIR4713HG (MIR4713 host gene; plus strand), PIRC66 (piwi-interacting RNA cluster 66; plus strand). Cytogenetic location: 15q21.2.
Variant type: single nucleotide variant.
Coding change: c.911T>G on transcript NM_000103.4 (MANE Select); coding-DNA position 911, T replaced by G.
Protein change: p.Leu304Arg; replaces leucine 304 with arginine.
Molecular consequence: missense variant.
Genome position (GRCh38, 1-based): chr15:51,215,180, A>C on the plus strand (T>G on the coding strand, the complement: CYP19A1 is on the minus strand). VCF-style: chr15-51215180-A-C. GRCh37 (hg19) VCF-style: chr15-51507377-A-C.
Other names: c.911T>G, p.Leu304Arg (NM_001347248.1, NM_001347249.2, NM_001347250.2 and 7 more transcripts); short protein forms L304R.
Identifiers: ClinVar variation 2142586 (VCV002142586.1), dbSNP rs1244426810, ClinGen allele CA392425319.
Genomic context (GRCh38, chr15:51,215,180, plus strand): 5'-TTTGCAATGAGAAATAGCATGAAGAACAAAGAGACAGACATGGTGTCAGGAGCTGCGATC[A>C]GCATTTCCAATATGCACTGGTTCACATTCTCTCTTGTCAGGTCACCACGTTTCTGAACAA-3'
Protein context (NP_000094.2, residues 294-314): ENVNQCILEM[Leu304Arg]IAAPDTMSVS

ClinVar aggregate classification (germline): Uncertain significance (1 of 4 stars; one submission).

Allele frequency attached by ClinVar (database versions not stated): gnomAD exomes below 0.00001.
gnomAD v4.1: 1 of 1,614,150 alleles (0.000062%); highest among the groups gnomAD compares: East Asian, 0.0022%; no homozygotes.

Submission:

Labcorp Genetics (formerly Invitae), Labcorp
Classification: Uncertain significance. Last evaluated: 2021-10-01. Review status: criteria provided, single submitter. Criteria: Invitae Variant Classification Sherloc (09022015). Collection method: clinical testing. Allele origin: germline.
Comment: This sequence change replaces leucine with arginine at codon 304 of the CYP19A1 protein (p.Leu304Arg). The leucine residue is highly conserved and there is a moderate physicochemical difference between leucine and arginine. This variant is not present in population databases (ExAC no frequency). This variant has not been reported in the literature in individuals with CYP19A1-related disease. Algorithms developed to predict the effect of missense changes on protein structure and function are either unavailable or do not agree on the potential impact of this missense change (SIFT: "Deleterious"; PolyPhen-2: "Probably Damaging"; Align-GVGD: "Class C0"). In summary, the available evidence is currently insufficient to determine the role of this variant in disease. Therefore, it has been classified as a Variant of Uncertain Significance.